The following is an entry in ClinVar:

ClinVar aggregate classification (germline): Uncertain significance (1 of 4 stars; one submission).

Conditions:
Hereditary cancer-predisposing syndrome. Also called: Neoplastic Syndromes, Hereditary; Tumor predisposition; Hereditary Cancer Syndrome; Hereditary neoplastic syndrome. Identifiers: Orphanet 140162, MedGen C0027672, MeSH D009386, MONDO:0015356.

Submission:

Ambry Genetics
Classification: Uncertain significance for Hereditary cancer-predisposing syndrome. Last evaluated: 2024-10-10. Review status: criteria provided, single submitter. Criteria: Ambry Variant Classification Scheme 2023. Collection method: clinical testing. Allele origin: germline.
Comment: The p.E1036D variant (also known as c.3108G>C), located in coding exon 19 of the RET gene, results from a G to C substitution at nucleotide position 3108. The glutamic acid at codon 1036 is replaced by aspartic acid, an amino acid with highly similar properties. This amino acid position is highly conserved in available vertebrate species. In addition, the in silico prediction for this alteration is inconclusive. Based on the available evidence, the clinical significance of this variant remains unclear.

NM_020975.6(RET):c.3108G>C (p.Glu1036Asp)

Gene: RET (ret proto-oncogene; plus strand). Cytogenetic location: 10q11.21.
Variant type: single nucleotide variant.
Coding change: c.3108G>C on transcript NM_020975.6 (MANE Select); coding-DNA position 3108, G replaced by C.
Protein change: p.Glu1036Asp; replaces glutamic acid 1036 with aspartic acid.
Molecular consequence: missense variant.
Genome position (GRCh38, 1-based): chr10:43,126,643, G>C. VCF-style: chr10-43126643-G-C. GRCh37 (hg19) VCF-style: chr10-43622091-G-C.
Other names: c.2346G>C, p.Glu782Asp (NM_001355216.2); c.3108G>C, p.Glu1036Asp (NM_001406743.1, NM_001406744.1, NM_001406759.1 and 2 more transcripts); c.2979G>C, p.Glu993Asp (NM_001406761.1, NM_001406762.1, NM_001406764.1); c.2973G>C, p.Glu991Asp (NM_001406763.1, NM_001406765.1); c.2820G>C, p.Glu940Asp (NM_001406766.1, NM_001406767.1, NM_001406770.1); c.2844G>C, p.Glu948Asp (NM_001406768.1); c.2712G>C, p.Glu904Asp (NM_001406769.1, NM_001406772.1); c.2670G>C, p.Glu890Asp (NM_001406771.1, NM_001406773.1); and 10 more; short protein forms E692D, E940D, E993D, E641D, E697D, E694D, E706D, E737D.
Identifiers: ClinVar variation 3432274 (VCV003432274.1).